The following is an entry in ClinVar:

ClinVar aggregate classification (germline): Uncertain significance (1 of 4 stars; one submission).

Conditions:
Epileptic encephalopathy. Identifiers: MedGen C0543888, HP:0200134.

Submission:

Labcorp Genetics (formerly Invitae), Labcorp
Classification: Uncertain significance for Epileptic encephalopathy. Last evaluated: 2020-05-26. Review status: criteria provided, single submitter. Criteria: Invitae Variant Classification Sherloc (09022015). Collection method: clinical testing. Allele origin: germline.
Comment: Algorithms developed to predict the effect of missense changes on protein structure and function (SIFT, PolyPhen-2, Align-GVGD) all suggest that this variant is likely to be tolerated, but these predictions have not been confirmed by published functional studies and their clinical significance is uncertain. In summary, the available evidence is currently insufficient to determine the role of this variant in disease. Therefore, it has been classified as a Variant of Uncertain Significance. This variant has not been reported in the literature in individuals with RYR3-related conditions. This variant is not present in population databases (ExAC no frequency). This sequence change replaces lysine with arginine at codon 3112 of the RYR3 protein (p.Lys3112Arg). The lysine residue is highly conserved and there is a small physicochemical difference between lysine and arginine.

NM_001036.6(RYR3):c.9335A>G (p.Lys3112Arg)

Gene: RYR3 (ryanodine receptor 3; plus strand). Cytogenetic location: 15q14.
Variant type: single nucleotide variant.
Coding change: c.9335A>G on transcript NM_001036.6 (MANE Select); coding-DNA position 9335, A replaced by G.
Protein change: p.Lys3112Arg; replaces lysine 3112 with arginine.
Molecular consequence: missense variant.
Genome position (GRCh38, 1-based): chr15:33,785,728, A>G. VCF-style: chr15-33785728-A-G. GRCh37 (hg19) VCF-style: chr15-34077929-A-G.
Other names: c.9335A>G, p.Lys3112Arg (NM_001243996.4); short protein forms K3112R.
Identifiers: ClinVar variation 1064113 (VCV001064113.9), dbSNP rs2152908209, ClinGen allele CA391590276.